The following is an entry in ClinVar:

ClinVar aggregate classification (germline): Uncertain significance (1 of 4 stars; one submission).

Conditions:
PCNT-related disorder. Also called: PCNT-related condition.

gnomAD v4.1: 12 of 1,613,850 alleles (0.00074%); highest among the groups gnomAD compares: Admixed American, 0.0033%; no homozygotes.

Submission:

PreventionGenetics, part of Exact Sciences
Classification: Uncertain significance for PCNT-related condition. Last evaluated: 2025-04-23. Review status: criteria provided, single submitter. Criteria: ACMG Guidelines, 2015. Collection method: clinical testing. Allele origin: germline.
Comment: The PCNT c.8683G>A variant is predicted to result in the amino acid substitution p.Ala2895Thr. To our knowledge, this variant has not been reported in the literature. This variant is reported in 0.0023% of alleles in individuals of European (Non-Finnish) descent in gnomA. At this time, the clinical significance of this variant is uncertain due to the absence of conclusive functional and genetic evidence.

NM_006031.6(PCNT):c.8683G>A (p.Ala2895Thr)

Gene: PCNT (pericentrin; plus strand). Cytogenetic location: 21q22.3.
Variant type: single nucleotide variant.
Coding change: c.8683G>A on transcript NM_006031.6 (MANE Select); coding-DNA position 8683, G replaced by A.
Protein change: p.Ala2895Thr; replaces alanine 2895 with threonine.
Molecular consequence: missense variant. On other transcripts: intron variant (1).
Genome position (GRCh38, 1-based): chr21:46,432,147, G>A. VCF-style: chr21-46432147-G-A. GRCh37 (hg19) VCF-style: chr21-47852061-G-A.
Other names: c.8160+169G>A (NM_001315529.2); short protein forms A2895T.
Identifiers: ClinVar variation 4977458 (VCV004977458.1).